The following is an entry in ClinVar:

NM_018706.7(DHTKD1):c.1193A>G (p.Asn398Ser)

Gene: DHTKD1 (dehydrogenase E1 and transketolase domain containing 1; plus strand). Cytogenetic location: 10p14.
Variant type: single nucleotide variant.
Coding change: c.1193A>G on transcript NM_018706.7 (MANE Select); coding-DNA position 1193, A replaced by G.
Protein change: p.Asn398Ser; replaces asparagine 398 with serine.
Molecular consequence: missense variant.
Genome position (GRCh38, 1-based): chr10:12,094,106, A>G. VCF-style: chr10-12094106-A-G. GRCh37 (hg19) VCF-style: chr10-12136105-A-G.
Other names: short protein forms N398S.
Identifiers: ClinVar variation 2715572 (VCV002715572.4), dbSNP rs1179178456, ClinGen allele CA376020082.

ClinVar aggregate classification (germline): Uncertain significance. Review status: criteria provided, multiple submitters, no conflicts (2 of 4 stars). 2 submissions from 2 submitters: Uncertain significance (2). Last evaluated 2023-04-12.

Conditions:
2-aminoadipic 2-oxoadipic aciduria (AAKAD). Also called: ALPHA-AMINOADIPIC AND ALPHA-KETOADIPIC ACIDURIA; Aminoadipic aciduria. Identifiers: Orphanet 79154, MedGen C1859817, MONDO:0008774, OMIM 204750.

Allele frequency attached by ClinVar (database versions not stated): gnomAD 0.00001; TOPMed 0.00001; gnomAD exomes 0.00002.
gnomAD v4.1: 18 of 1,613,928 alleles (0.0011%); highest among the groups gnomAD compares: Non-Finnish European, 0.0014%; no homozygotes.

Submissions (2):

Labcorp Genetics (formerly Invitae), Labcorp
Classification: Uncertain significance for 2-aminoadipic 2-oxoadipic aciduria. Last evaluated: 2023-04-12. Review status: criteria provided, single submitter. Criteria: Invitae Variant Classification Sherloc (09022015). Collection method: clinical testing. Allele origin: germline.
Comment: This variant has not been reported in the literature in individuals affected with DHTKD1-related conditions. Advanced modeling of protein sequence and biophysical properties (such as structural, functional, and spatial information, amino acid conservation, physicochemical variation, residue mobility, and thermodynamic stability) performed at Invitae indicates that this missense variant is not expected to disrupt DHTKD1 protein function. In summary, the available evidence is currently insufficient to determine the role of this variant in disease. Therefore, it has been classified as a Variant of Uncertain Significance. This sequence change replaces asparagine, which is neutral and polar, with serine, which is neutral and polar, at codon 398 of the DHTKD1 protein (p.Asn398Ser). This variant is present in population databases (no rsID available, gnomAD 0.01%).

Blueprint Genetics
Classification: Uncertain significance. Last evaluated: 2021-09-20. Review status: criteria provided, single submitter. Criteria: ACMG Guidelines, 2015. Collection method: clinical testing. Allele origin: germline.